The following is an entry in ClinVar:

NM_000081.4(LYST):c.3125C>T (p.Ala1042Val)

Gene: LYST (lysosomal trafficking regulator; minus strand). Cytogenetic location: 1q42.3.
Variant type: single nucleotide variant.
Coding change: c.3125C>T on transcript NM_000081.4 (MANE Select); coding-DNA position 3125, C replaced by T.
Protein change: p.Ala1042Val; replaces alanine 1042 with valine.
Molecular consequence: missense variant.
Genome position (GRCh38, 1-based): chr1:235,806,011, G>A on the plus strand (C>T on the coding strand, the complement: LYST is on the minus strand). VCF-style: chr1-235806011-G-A. GRCh37 (hg19) VCF-style: chr1-235969311-G-A.
Other names: c.3125C>T, p.Ala1042Val (NM_001301365.1); short protein forms A1042V.
Identifiers: ClinVar variation 1380462 (VCV001380462.3), dbSNP rs1265927844, ClinGen allele CA344953355.

ClinVar aggregate classification (germline): Uncertain significance (1 of 4 stars; one submission).

Conditions:
Chédiak-Higashi syndrome (CHS). Also called: Chediak-Higashi Syndrome. Identifiers: Orphanet 167, MedGen C0007965, MONDO:0008963, OMIM 214500.

gnomAD v4.1: 1 of 1,613,808 alleles (0.000062%); highest among the groups gnomAD compares: Non-Finnish European, 0.000085%; no homozygotes.

Submission:

Labcorp Genetics (formerly Invitae), Labcorp
Classification: Uncertain significance for Chédiak-Higashi syndrome. Last evaluated: 2021-11-03. Review status: criteria provided, single submitter. Criteria: Invitae Variant Classification Sherloc (09022015). Collection method: clinical testing. Allele origin: germline.
Comment: This sequence change replaces alanine, which is neutral and non-polar, with valine, which is neutral and non-polar, at codon 1042 of the LYST protein (p.Ala1042Val). This variant is present in population databases (no rsID available, gnomAD 0.0009%). This variant has not been reported in the literature in individuals affected with LYST-related conditions. Algorithms developed to predict the effect of missense changes on protein structure and function (SIFT, PolyPhen-2, Align-GVGD) all suggest that this variant is likely to be tolerated. In summary, the available evidence is currently insufficient to determine the role of this variant in disease. Therefore, it has been classified as a Variant of Uncertain Significance.